The following is an entry in ClinVar:

NM_004425.4(ECM1):c.499T>G (p.Phe167Val)

Gene: ECM1 (extracellular matrix protein 1; plus strand). Cytogenetic location: 1q21.2.
Variant type: single nucleotide variant.
Coding change: c.499T>G on transcript NM_004425.4 (MANE Select); coding-DNA position 499, T replaced by G.
Protein change: p.Phe167Val; replaces phenylalanine 167 with valine.
Molecular consequence: missense variant.
Genome position (GRCh38, 1-based): chr1:150,510,989, T>G. VCF-style: chr1-150510989-T-G. GRCh37 (hg19) VCF-style: chr1-150483465-T-G.
Other names: c.580T>G, p.Phe194Val (NM_001202858.2); c.499T>G, p.Phe167Val (NM_022664.3); short protein forms F167V, F194V.
Identifiers: ClinVar variation 2635267 (VCV002635267.1), dbSNP rs121909116, ClinGen allele CA342333002.

ClinVar aggregate classification (germline): Uncertain significance (1 of 4 stars; one submission).

Conditions:
ECM1-related disorder. Also called: ECM1-related condition.

Submission:

PreventionGenetics, part of Exact Sciences
Classification: Uncertain significance for ECM1-related condition. Last evaluated: 2022-11-17. Review status: criteria provided, single submitter. Criteria: ACMG Guidelines, 2015. Collection method: clinical testing. Allele origin: germline.
Comment: The ECM1 c.499T>G variant is predicted to result in the amino acid substitution p.Phe167Val. To our knowledge, this variant has not been reported in the literature or in a large population database, indicating this variant is rare. Two alternate missense changes affecting the same amino acid have been reported in affected individuals (p.Phe167Leu, p.Phe167Ile; Chan et al. 2007. PubMed ID: 17927570; Reported as p.Phe194Ile in Table S1, Capalbo et al. 2019. PubMed ID: 31589614; Table 2, Hamada et al. 2003. PubMed ID: 12603844). Although we suspect the p.Phe167Val change could be pathogenic, at this time, the clinical significance of this variant is uncertain due to the absence of conclusive functional and genetic evidence.